The following is an entry in ClinVar:

NM_000352.6(ABCC8):c.597_598dup (p.Thr200fs)

Gene: ABCC8 (ATP binding cassette subfamily C member 8; minus strand). Cytogenetic location: 11p15.1.
Variant type: Duplication.
Coding change: c.597_598dup on transcript NM_000352.6 (MANE Select); coding-DNA positions 597 to 598, 2 bases duplicated (GA; older notation c.597_598dupGA).
Protein change: p.Thr200fs; shifts the reading frame from threonine 200.
Molecular consequence: frameshift variant. On other transcripts: non-coding transcript variant (1).
Genome position (GRCh38, 1-based): chr11:17,461,807-17,461,808, TC duplicated on the plus strand (GA on the coding strand, the reverse complement: ABCC8 is on the minus strand); duplicating any 2 consecutive bases within chr11:17,461,807-17,461,809 gives the same sequence; the c. name uses the placement nearest the transcript's 3' end. VCF-style (leftmost placement, unchanged base first): chr11-17461806-G-GTC. GRCh37 (hg19) VCF-style: chr11-17483353-G-GTC.
Other names: c.597_598dup, p.Thr200fs (NM_001287174.3, NM_001351295.2, NM_001351296.2 and 1 more transcripts); short protein forms T200fs.
Identifiers: ClinVar variation 3599419 (VCV003599419.2).

ClinVar aggregate classification (germline): Pathogenic. Review status: criteria provided, multiple submitters, no conflicts (2 of 4 stars). 2 submissions from 2 submitters: Pathogenic (2). Last evaluated 2025-05-05.

Conditions:
Hyperinsulinemic hypoglycemia, familial, 1 (HHF1). Also called: Persistent Hyperinsulinemia Hypoglycemia of Infancy; Persistent hyperinsulinemic hypoglycemia of infancy; HYPERINSULINISM, FAMILIAL, WITH PANCREATIC NESIDIOBLASTOSIS; HYPOGLYCEMIA, HYPERINSULINEMIC, OF INFANCY; NESIDIOBLASTOSIS OF PANCREAS. Identifiers: Orphanet 276575, Orphanet 276598, MedGen C2931832, MONDO:0009734, OMIM 256450.
Leucine-induced hypoglycemia (LIH). Also called: LEUCINE-SENSITIVE HYPOGLYCEMIA OF INFANCY. Identifiers: MedGen C0271714, MONDO:0009415, OMIM 240800.
Diabetes mellitus, permanent neonatal 3. Also called: ABCC8-Related Permanent Neonatal Diabetes Mellitus. Identifiers: MedGen C5394303, MONDO:0030088, OMIM 618857.
Type 2 diabetes mellitus. Also called: Type II diabetes mellitus. Identifiers: MedGen C0011860, MeSH D003924, MONDO:0005148, OMIM 125853, HP:0005978.
Diabetes mellitus, transient neonatal, 2 (TNDM2). Identifiers: Orphanet 99886, MedGen C1835887, MONDO:0012480, OMIM 610374. Disease mechanism: loss of function.

Submissions (2):

Myriad Genetics, Inc.
Classification: Pathogenic for Hyperinsulinemic hypoglycemia, familial, 1. Last evaluated: 2025-05-05. Review status: criteria provided, single submitter. Criteria: Myriad Autosomal Dominant, Autosomal Recessive and X-Linked Classification Criteria (2023). Collection method: clinical testing. Allele origin: unknown.
Comment: NM_000352.3(ABCC8):c.597_598dupGA(T200Rfs*6) is expected to be pathogenic in the context of familial hyperinsulinism, ABCC8-related. This variant is predicted to lead to an abnormal or absent protein product due to the creation of a premature termination codon in ABCC8, a gene where loss-of-function variants are known to be pathogenic. Please note: this variant was assessed in the context of healthy population screening.

Fulgent Genetics
Classification: Pathogenic for Type 2 diabetes mellitus; Leucine-induced hypoglycemia; Hyperinsulinemic hypoglycemia, familial, 1; Diabetes mellitus, transient neonatal, 2; Diabetes mellitus, permanent neonatal 3. Last evaluated: 2024-03-07. Review status: criteria provided, single submitter. Criteria: ACMG Guidelines, 2015. Collection method: clinical testing. Allele origin: germline.